The following is an entry in ClinVar:

NM_001127208.3(TET2):c.5143G>A (p.Val1715Ile)

Genes: TET2 (tet methylcytosine dioxygenase 2; plus strand), TET2-AS1 (TET2 antisense RNA 1; minus strand). Cytogenetic location: 4q24.
Variant type: single nucleotide variant.
Coding change: c.5143G>A on transcript NM_001127208.3 (MANE Select); coding-DNA position 5143, G replaced by A.
Protein change: p.Val1715Ile; replaces valine 1715 with isoleucine.
Molecular consequence: missense variant.
Genome position (GRCh38, 1-based): chr4:105,275,653, G>A. VCF-style: chr4-105275653-G-A. GRCh37 (hg19) VCF-style: chr4-106196810-G-A.
Other names: short protein forms V1715I.
Identifiers: ClinVar variation 2023753 (VCV002023753.3), dbSNP rs2110313994, ClinGen allele CA357814675.
Genomic context (GRCh38, chr4:105,275,653, plus strand): 5'-GGTTATGGAAACCAAAATATGCAGGGAGATGGTTTCAGCAGTTGTACCATTAGACCAAAT[G>A]TACATCATGTAGGGAAATTGCCTCCTTATCCCACTCATGAGATGGATGGCCACTTCATGG-3'
Protein context (NP_001120680.1, residues 1705-1725): GFSSCTIRPN[Val1715Ile]HHVGKLPPYP

ClinVar aggregate classification (germline): Uncertain significance (1 of 4 stars; one submission).

Submission:

Labcorp Genetics (formerly Invitae), Labcorp
Classification: Uncertain significance. Last evaluated: 2022-09-26. Review status: criteria provided, single submitter. Criteria: Invitae Variant Classification Sherloc (09022015). Collection method: clinical testing. Allele origin: germline.
Comment: In summary, the available evidence is currently insufficient to determine the role of this variant in disease. Therefore, it has been classified as a Variant of Uncertain Significance. Algorithms developed to predict the effect of missense changes on protein structure and function (SIFT, PolyPhen-2, Align-GVGD) all suggest that this variant is likely to be tolerated. This variant has not been reported in the literature in individuals affected with TET2-related conditions. This variant is not present in population databases (gnomAD no frequency). This sequence change replaces valine, which is neutral and non-polar, with isoleucine, which is neutral and non-polar, at codon 1715 of the TET2 protein (p.Val1715Ile).